The following is an entry in ClinVar:

NM_021973.3(HAND2):c.220G>A (p.Gly74Ser)

Genes: HAND2 (heart and neural crest derivatives expressed 2; minus strand), HAND2-AS1 (HAND2 antisense RNA 1; plus strand). Cytogenetic location: 4q34.1.
Variant type: single nucleotide variant.
Coding change: c.220G>A on transcript NM_021973.3 (MANE Select); coding-DNA position 220, G replaced by A.
Protein change: p.Gly74Ser; replaces glycine 74 with serine.
Molecular consequence: missense variant.
Genome position (GRCh38, 1-based): chr4:173,529,070, C>T on the plus strand (G>A on the coding strand, the complement: HAND2 is on the minus strand). VCF-style: chr4-173529070-C-T. GRCh37 (hg19) VCF-style: chr4-174450221-C-T.
Other names: short protein forms G74S.
Identifiers: ClinVar variation 3523885 (VCV003523885.3).

ClinVar aggregate classification (germline): Uncertain significance. Review status: criteria provided, multiple submitters, no conflicts (2 of 4 stars). 2 submissions from 2 submitters: Uncertain significance (2). Last evaluated 2024-12-24.

Conditions:
Inborn genetic diseases. Identifiers: MedGen C0950123, MeSH D030342.

Submissions (2):

Labcorp Genetics (formerly Invitae), Labcorp
Classification: Uncertain significance. Last evaluated: 2024-12-24. Review status: criteria provided, single submitter. Criteria: Invitae Variant Classification Sherloc (09022015). Collection method: clinical testing. Allele origin: germline.
Comment: This sequence change replaces glycine, which is neutral and non-polar, with serine, which is neutral and polar, at codon 74 of the HAND2 protein (p.Gly74Ser). The frequency data for this variant in the population databases is considered unreliable, as metrics indicate poor data quality at this position in the gnomAD database. This variant has not been reported in the literature in individuals affected with HAND2-related conditions. An algorithm developed to predict the effect of missense changes on protein structure and function outputs the following: PolyPhen-2: "Benign". The serine amino acid residue is found in multiple mammalian species, which suggests that this missense change does not adversely affect protein function. In summary, the available evidence is currently insufficient to determine the role of this variant in disease. Therefore, it has been classified as a Variant of Uncertain Significance.

Ambry Genetics
Classification: Uncertain significance for Inborn genetic diseases. Last evaluated: 2024-09-03. Review status: criteria provided, single submitter. Criteria: Ambry Variant Classification Scheme 2023. Collection method: clinical testing. Allele origin: germline.